The following is an entry in ClinVar:

ClinVar aggregate classification (germline): Likely pathogenic (1 of 4 stars; one submission).

Conditions:
CHD8-related disorder. Also called: CHD8-related disorders; CHD8-related condition.

Submission:

PreventionGenetics, part of Exact Sciences
Classification: Likely pathogenic for CHD8-related condition. Last evaluated: 2025-12-04. Review status: criteria provided, single submitter. Criteria: ACMG Guidelines, 2015. Collection method: clinical testing. Allele origin: germline.
Comment: The CHD8 c.1257delT variant is predicted to result in a frameshift and premature protein termination (p.Val421Phefs*2). To our knowledge, this variant has not been reported in the literature or in a large population database (gnomAD), indicating this variant is rare. Frameshift variants in CHD8 are expected to be pathogenic. This variant is interpreted as likely pathogenic.

NM_001170629.2(CHD8):c.1257del (p.Val421fs)

Gene: CHD8 (chromodomain helicase DNA binding protein 8; minus strand). Cytogenetic location: 14q11.2.
Variant type: Deletion.
Coding change: c.1257del on transcript NM_001170629.2 (MANE Select); coding-DNA position 1257, one base deleted (T; older notation c.1257delT).
Protein change: p.Val421fs; shifts the reading frame from valine 421.
Molecular consequence: frameshift variant.
Genome position (GRCh38, 1-based): chr14:21,428,213, A deleted on the plus strand (T on the coding strand, the reverse complement: CHD8 is on the minus strand); the first of 2 consecutive A bases (chr14:21,428,213-21,428,214); deleting either gives the same sequence. VCF-style (leftmost placement, unchanged base first): chr14-21428212-TA-T. GRCh37 (hg19) VCF-style: chr14-21896371-TA-T.
Other names: c.420del, p.Val142fs (NM_020920.4); short protein forms V421fs, V142fs.
Identifiers: ClinVar variation 4996227 (VCV004996227.1).
Genomic context (GRCh38, chr14:21,428,212, plus strand): 5'-AATGAGGAGCAGAGCTTGCTGGTGATGACAAAGCTGCCACTTCACTGGCACTCAGAACTT[TA>T]ACTACAGAGAGCCCAGAAGAGGCCCCTTGGGAAGAGCCAGCCTATAGAAACAAAGATACT-3'